The following is an entry in ClinVar:

ClinVar aggregate classification (germline): Uncertain significance. Review status: criteria provided, multiple submitters, no conflicts (2 of 4 stars). 2 submissions from 2 submitters: Uncertain significance (2). Last evaluated 2025-04-18.

Conditions:
Hereditary cancer-predisposing syndrome. Also called: Hereditary neoplastic syndrome; Neoplastic Syndromes, Hereditary; Hereditary Cancer Syndrome; Tumor predisposition. Identifiers: Orphanet 140162, MedGen C0027672, MeSH D009386, MONDO:0015356.
EGFR-related lung cancer (EGFR). Identifiers: MedGen CN130014.

Allele frequency attached by ClinVar (database versions not stated): gnomAD exomes below 0.00001.
gnomAD v4.1: 1 of 1,613,450 alleles (0.000062%); highest among the groups gnomAD compares: Non-Finnish European, 0.000085%; no homozygotes.

Submissions (2):

Ambry Genetics
Classification: Uncertain significance for Hereditary cancer-predisposing syndrome. Last evaluated: 2025-04-18. Review status: criteria provided, single submitter. Criteria: Ambry Variant Classification Scheme 2023. Collection method: clinical testing. Allele origin: germline.
Comment: The p.D1072E variant (also known as c.3216C>A), located in coding exon 27 of the EGFR gene, results from a C to A substitution at nucleotide position 3216. The aspartic acid at codon 1072 is replaced by glutamic acid, an amino acid with highly similar properties. This amino acid position is highly conserved in available vertebrate species. In addition, the in silico prediction for this alteration is inconclusive. Based on the available evidence, the clinical significance of this variant remains unclear.

Labcorp Genetics (formerly Invitae), Labcorp
Classification: Uncertain significance for EGFR-related lung cancer. Last evaluated: 2023-01-13. Review status: criteria provided, single submitter. Criteria: Invitae Variant Classification Sherloc (09022015). Collection method: clinical testing. Allele origin: germline.
Comment: In summary, the available evidence is currently insufficient to determine the role of this variant in disease. Therefore, it has been classified as a Variant of Uncertain Significance. Algorithms developed to predict the effect of missense changes on protein structure and function are either unavailable or do not agree on the potential impact of this missense change (SIFT: "Tolerated"; PolyPhen-2: "Probably Damaging"; Align-GVGD: "Class C0"). ClinVar contains an entry for this variant (Variation ID: 1720652). This variant has not been reported in the literature in individuals affected with EGFR-related conditions. This variant is not present in population databases (gnomAD no frequency). This sequence change replaces aspartic acid, which is acidic and polar, with glutamic acid, which is acidic and polar, at codon 1072 of the EGFR protein (p.Asp1072Glu).

NM_005228.5(EGFR):c.3216C>A (p.Asp1072Glu)

Gene: EGFR (epidermal growth factor receptor; plus strand). Cytogenetic location: 7p11.2.
Variant type: single nucleotide variant.
Coding change: c.3216C>A on transcript NM_005228.5 (MANE Select); coding-DNA position 3216, C replaced by A.
Protein change: p.Asp1072Glu; replaces aspartic acid 1072 with glutamic acid.
Molecular consequence: missense variant.
Genome position (GRCh38, 1-based): chr7:55,202,570, C>A. VCF-style: chr7-55202570-C-A. GRCh37 (hg19) VCF-style: chr7-55270263-C-A.
Other names: c.3081C>A, p.Asp1027Glu (NM_001346897.2, NM_001346899.2); c.3216C>A, p.Asp1072Glu (NM_001346898.2); c.3057C>A, p.Asp1019Glu (NM_001346900.2); c.2415C>A, p.Asp805Glu (NM_001346941.2); short protein forms D1019E, D1027E, D1072E, D805E.
Identifiers: ClinVar variation 1720652 (VCV001720652.6), dbSNP rs2128973088, ClinGen allele CA367583358.